The following is an entry in ClinVar:

ClinVar aggregate classification (germline): Likely pathogenic (1 of 4 stars; one submission).

Conditions:
Autosomal dominant isolated somatotropin deficiency (IGHD2). Also called: Idiopathic Growth Hormone Deficiency Type II; IGHD II. Identifiers: Orphanet 231679, Orphanet 631, MedGen C0271567, MONDO:0008250, OMIM 173100.

Allele frequency attached by ClinVar (database versions not stated): gnomAD exomes below 0.00001.
gnomAD v4.1: 1 of 1,614,158 alleles (0.000062%); highest among the groups gnomAD compares: South Asian, 0.0011%; no homozygotes.

Submission:

Centre de Génétique Humaine, Institut de Pathologie Et de Génétique
Classification: Likely pathogenic for Autosomal dominant isolated somatotropin deficiency. Last evaluated: 2022-01-14. Review status: criteria provided, single submitter. Criteria: ACMG Guidelines, 2015. Collection method: clinical testing. Allele origin: maternal. Inheritance: Autosomal dominant inheritance. Affected: yes. Observed: 1 heterozygote.
Comment: c.254C>T p.(Pro85Leu) variant is absent in GnomAD, it affects a very conserved amino acid located in a functionnal domain of the protein. This substitution is reported in the litterature (PMID: 21546299, P59L = old nomenclature). In this paper, in vitro studies of the variant highlighted reduced protein secretion, reduced protein-receptor interaction and reduced biological activity. The same team described a variant affecting the same amino acid (PMID: 23417163, P59S= old nomenclature) in siblings presenting growth hormone deficiency.

Literature cited by the submitters: PubMed 21546299; PubMed 23417163.

NM_000515.5(GH1):c.254C>T (p.Pro85Leu)

Genes: GH1 (growth hormone 1; minus strand), GH-LCR (growth hormone locus control region; plus strand). Cytogenetic location: 17q23.3.
Variant type: single nucleotide variant.
Coding change: c.254C>T on transcript NM_000515.5 (MANE Select); coding-DNA position 254, C replaced by T.
Protein change: p.Pro85Leu; replaces proline 85 with leucine.
Molecular consequence: missense variant. On other transcripts: intron variant (1).
Genome position (GRCh38, 1-based): chr17:63,918,054, G>A on the plus strand (C>T on the coding strand, the complement: GH1 is on the minus strand). VCF-style: chr17-63918054-G-A. GRCh37 (hg19) VCF-style: chr17-61995414-G-A.
Other names: c.209C>T, p.Pro70Leu (NM_022559.4); c.172-130C>T (NM_022560.4); short protein forms P70L, P85L.
Identifiers: ClinVar variation 1702861 (VCV001702861.3), dbSNP rs1567803095, ClinGen allele CA400612524.